The following is an entry in ClinVar:

NM_001379500.1(COL18A1):c.107-12228del

Gene: COL18A1 (collagen type XVIII alpha 1 chain; plus strand). Cytogenetic location: 21q22.3.
Variant type: Deletion.
Coding change: c.107-12228del on transcript NM_001379500.1 (MANE Select); 12228 bases into the intron before coding-DNA position 107, one base deleted (C; older notation c.107-12228delC).
Molecular consequence: intron variant. On other transcripts: frameshift variant (2).
Genome position (GRCh38, 1-based): chr21:45,456,014, C deleted; the last of 6 consecutive C bases (chr21:45,456,009-45,456,014); deleting any one gives the same sequence. VCF-style (leftmost placement, unchanged base first): chr21-45456008-AC-A. GRCh37 (hg19) VCF-style: chr21-46875922-AC-A.
Other names: c.484del, p.Gln162fs (NM_030582.4, NM_130444.3); c.484delC (NM_030582.3); short protein forms Q162fs.
Identifiers: ClinVar variation 1502981 (VCV001502981.6), dbSNP rs766977257, ClinGen allele CA10065488.

ClinVar aggregate classification (germline): Uncertain significance. Review status: criteria provided, multiple submitters, no conflicts (2 of 4 stars). 3 submissions from 3 submitters: Uncertain significance (3). Last evaluated 2026-07-10.

Conditions:
Inborn genetic diseases. Identifiers: MedGen C0950123, MeSH D030342.

Submissions (3):

Ambry Genetics
Classification: Uncertain significance for Inborn genetic diseases. Last evaluated: 2026-07-10. Review status: criteria provided, single submitter. Criteria: Ambry Variant Classification Scheme 2023. Collection method: clinical testing. Allele origin: germline.
Comment: The c.484delC (p.Q162Rfs*142) alteration, located in exon 1 (coding exon 1) of the COL18A1 gene, consists of a deletion of one nucleotide at position 484, causing a translational frameshift with a predicted alternate stop codon after 142 amino acids. Frameshift alterations are typically deleterious in nature (Richards, 2015). This variant was not reported in population-based cohorts in the Genome Aggregation Database (gnomAD). Based on insufficient or conflicting evidence, the clinical significance of this alteration remains unclear.

Labcorp Genetics (formerly Invitae), Labcorp
Classification: Uncertain significance. Last evaluated: 2023-12-11. Review status: criteria provided, single submitter. Criteria: Invitae Variant Classification Sherloc (09022015). Collection method: clinical testing. Allele origin: germline.
Comment: The COL18A1 gene has multiple clinically relevant transcripts. This variant occurs in alternate transcript NM_030582.4, and corresponds to NM_130445.3:c.107-12228del in the primary transcript. This sequence change creates a premature translational stop signal (p.Gln162Argfs*142) in the COL18A1 gene. However, it is currently unclear if variants that occur in this region of the gene cause disease. This variant is present in population databases (rs766977257, gnomAD 0.01%). This variant has not been reported in the literature in individuals affected with COL18A1-related conditions. ClinVar contains an entry for this variant (Variation ID: 1502981). Algorithms developed to predict the effect of sequence changes on RNA splicing suggest that this variant is not likely to affect RNA splicing. In summary, the available evidence is currently insufficient to determine the role of this variant in disease. Therefore, it has been classified as a Variant of Uncertain Significance.

Blueprint Genetics
Classification: Uncertain significance. Last evaluated: 2023-02-03. Review status: criteria provided, single submitter. Criteria: ACMG Guidelines, 2015. Collection method: clinical testing. Allele origin: germline.